The following is an entry in ClinVar:

ClinVar aggregate classification (germline): Uncertain significance. Review status: criteria provided, multiple submitters, no conflicts (2 of 4 stars). 2 submissions from 2 submitters: Uncertain significance (2). Last evaluated 2025-02-07.

Conditions:
Arrhythmogenic right ventricular dysplasia 8 (ARVD8). Also called: Arrhythmogenic Right Ventricular Dysplasia/Cardiomyopathy 8; ARRHYTHMOGENIC RIGHT VENTRICULAR DYSPLASIA, FAMILIAL, 8; ARRHYTHMOGENIC RIGHT VENTRICULAR CARDIOMYOPATHY 8. Identifiers: MedGen C1843896, MONDO:0011831, OMIM 607450.
Arrhythmogenic cardiomyopathy with wooly hair and keratoderma. Also called: PALMOPLANTAR KERATODERMA WITH LEFT VENTRICULAR CARDIOMYOPATHY AND WOOLLY HAIR; Carvajal syndrome; Dilated cardiomyopathy with woolly hair and keratoderma; Arrhythmogenic cardiomyopathy with woolly hair and keratoderma. Identifiers: Orphanet 65282, MedGen C1854063, MONDO:0011581, OMIM 605676.
Cardiovascular phenotype. Identifiers: MedGen CN230736.

Submissions (2):

Ambry Genetics
Classification: Uncertain significance for Cardiovascular phenotype. Last evaluated: 2025-02-07. Review status: criteria provided, single submitter. Criteria: Ambry Variant Classification Scheme 2023. Collection method: clinical testing. Allele origin: germline.
Comment: The c.4898_4900delTCC variant (also known as p.L1633del) is located in coding exon 23 of the DSP gene. This variant results from an in-frame TCC deletion at nucleotide positions 4898 to 4900. This results in the in-frame deletion of a leucine at codon 1633. This amino acid position is highly conserved in available vertebrate species. In addition, this alteration is predicted to be deleterious by in silico analysis (Choi Y et al. PLoS ONE. 2012; 7(10):e46688). Based on the available evidence, the clinical significance of this variant remains unclear.

Labcorp Genetics (formerly Invitae), Labcorp
Classification: Uncertain significance for Arrhythmogenic cardiomyopathy with wooly hair and keratoderma; Arrhythmogenic right ventricular dysplasia 8. Last evaluated: 2024-04-07. Review status: criteria provided, single submitter. Criteria: Invitae Variant Classification Sherloc (09022015). Collection method: clinical testing. Allele origin: germline.
Comment: This variant, c.4898_4900del, results in the deletion of 1 amino acid(s) of the DSP protein (p.Leu1633del), but otherwise preserves the integrity of the reading frame. This variant is not present in population databases (gnomAD no frequency). This variant has not been reported in the literature in individuals affected with DSP-related conditions. Experimental studies and prediction algorithms are not available or were not evaluated, and the functional significance of this variant is currently unknown. In summary, the available evidence is currently insufficient to determine the role of this variant in disease. Therefore, it has been classified as a Variant of Uncertain Significance.

NM_004415.4(DSP):c.4898_4900del (p.Leu1633del)

Gene: DSP (desmoplakin; plus strand). Cytogenetic location: 6p24.3.
Variant type: Deletion.
Coding change: c.4898_4900del on transcript NM_004415.4 (MANE Select); coding-DNA positions 4898 to 4900, 3 bases deleted (TCC; older notation c.4898_4900delTCC).
Protein change: p.Leu1633del; deletes leucine 1633.
Molecular consequence: inframe deletion. On other transcripts: intron variant (2).
Genome position (GRCh38, 1-based): chr6:7,581,088-7,581,090, TCC deleted; deleting any 3 consecutive bases within chr6:7,581,086-7,581,090 gives the same sequence; the c. name uses the placement nearest the transcript's 3' end. VCF-style (leftmost placement, unchanged base first): chr6-7581085-ACCT-A. GRCh37 (hg19) VCF-style: chr6-7581318-ACCT-A.
Other names: c.4050+848_4050+850del (NM_001319034.2); c.3582+1316_3582+1318del (NM_001008844.3); short protein forms L1633del.
Identifiers: ClinVar variation 3751866 (VCV003751866.3).
Genomic context (GRCh38, chr6:7,581,085, plus strand): 5'-TCACCAACCTGACCCAGCAGCTGGAGCAGGCATCCATTGTTAAGAAGAGGAGTGAGGATG[ACCT>A]CCGGCAGCAGAGGGACGTGCTGGATGGCCACCTGAGGGAAAAGCAGAGGACCCAGGAAGA-3'